The following is an entry in ClinVar:

ClinVar aggregate classification (germline): Uncertain significance (1 of 4 stars; one submission).

Submission:

Ambry Genetics
Classification: Uncertain significance. Last evaluated: 2026-01-24. Review status: criteria provided, single submitter. Criteria: Ambry Variant Classification Scheme 2023. Collection method: clinical testing. Allele origin: germline.
Comment: The p.A641D variant (also known as c.1922C>A), located in coding exon 14 of the RECQL gene, results from a C to A substitution at nucleotide position 1922. The alanine at codon 641 is replaced by aspartic acid, an amino acid with dissimilar properties. This amino acid position is conserved. In addition, this alteration is predicted to be tolerated by in silico analysis. Based on the available evidence, the clinical significance of this variant remains unclear.

NM_002907.4(RECQL):c.1922C>A (p.Ala641Asp)

Genes: PYROXD1 (pyridine nucleotide-disulphide oxidoreductase domain 1; plus strand), RECQL (RecQ like helicase; minus strand). Cytogenetic location: 12p12.1.
Variant type: single nucleotide variant.
Coding change: c.1922C>A on transcript NM_002907.4 (MANE Select); coding-DNA position 1922, C replaced by A.
Protein change: p.Ala641Asp; replaces alanine 641 with aspartic acid.
Molecular consequence: missense variant. On other transcripts: 3 prime UTR variant (3).
Genome position (GRCh38, 1-based): chr12:21,470,222, G>T on the plus strand (C>A on the coding strand, the complement: RECQL is on the minus strand). VCF-style: chr12-21470222-G-T. GRCh37 (hg19) VCF-style: chr12-21623156-G-T.
Other names: c.1922C>A, p.Ala641Asp (NM_032941.3); c.*1468G>T (NM_001350912.2, NM_001350913.2, NM_024854.5); short protein forms A641D.
Identifiers: ClinVar variation 4824328 (VCV004824328.1).